The following is an entry in ClinVar:

NM_001366385.1(CARD14):c.214C>T (p.His72Tyr)

Gene: CARD14 (caspase recruitment domain family member 14; plus strand). Cytogenetic location: 17q25.3.
Variant type: single nucleotide variant.
Coding change: c.214C>T on transcript NM_001366385.1 (MANE Select); coding-DNA position 214, C replaced by T.
Protein change: p.His72Tyr; replaces histidine 72 with tyrosine.
Molecular consequence: missense variant. On other transcripts: non-coding transcript variant (1).
Genome position (GRCh38, 1-based): chr17:80,182,655, C>T. VCF-style: chr17-80182655-C-T. GRCh37 (hg19) VCF-style: chr17-78156454-C-T.
Other names: c.214C>T, p.His72Tyr (NM_001257970.1, NM_024110.4); short protein forms H72Y.
Identifiers: ClinVar variation 3827377 (VCV003827377.2).
Genomic context (GRCh38, chr17:80,182,655, plus strand): 5'-GGAGCCCAGCCCCCTTGGTAGCTGGGTTCTGCCCAGACAGACGGTTCTGCCTCCCAAGGG[C>T]ACTTGCTGGATTTGCTGAAGACTCGAGGGAAGAACGGGGCCATCGCCTTCCTGGAGAGCC-3'
Protein context (NP_001353314.1, residues 62-82): RLTNSAMRAG[His72Tyr]LLDLLKTRGK

ClinVar aggregate classification (germline): Uncertain significance. Review status: criteria provided, multiple submitters, no conflicts (2 of 4 stars). 2 submissions from 2 submitters: Uncertain significance (2). Last evaluated 2025-12-08.

Conditions:
Psoriasis 2. Identifiers: MedGen C1864497, MONDO:0011269, OMIM 602723.
Pityriasis rubra pilaris (PRP). Also called: Pityriasis rubra pilaris--familial type. Identifiers: Orphanet 2897, MedGen C0032027, MONDO:0100017, OMIM 173200, MONDO:0008251.
Inborn genetic diseases. Identifiers: MedGen C0950123, MeSH D030342.

gnomAD v4.1: 9 of 1,613,946 alleles (0.00056%); highest among the groups gnomAD compares: Admixed American, 0.0083%; no homozygotes.

Submissions (2):

Labcorp Genetics (formerly Invitae), Labcorp
Classification: Uncertain significance for Pityriasis rubra pilaris; Psoriasis 2. Last evaluated: 2025-12-08. Review status: criteria provided, single submitter. Criteria: Invitae Variant Classification Sherloc (09022015). Collection method: clinical testing. Allele origin: germline.
Comment: This sequence change replaces histidine, which is basic and polar, with tyrosine, which is neutral and polar, at codon 72 of the CARD14 protein (p.His72Tyr). This variant is present in population databases (no rsID available, gnomAD 0.006%). This variant has not been reported in the literature in individuals affected with CARD14-related conditions. ClinVar contains an entry for this variant (Variation ID: 3827377). Invitae Evidence Modeling of protein sequence and biophysical properties (such as structural, functional, and spatial information, amino acid conservation, physicochemical variation, residue mobility, and thermodynamic stability) indicates that this missense variant is not expected to disrupt CARD14 protein function with a negative predictive value of 95%. In summary, the available evidence is currently insufficient to determine the role of this variant in disease. Therefore, it has been classified as a Variant of Uncertain Significance.

Ambry Genetics
Classification: Uncertain significance for Inborn genetic diseases. Last evaluated: 2025-01-26. Review status: criteria provided, single submitter. Criteria: Ambry Variant Classification Scheme 2023. Collection method: clinical testing. Allele origin: germline.